The following is an entry in ClinVar:

ClinVar aggregate classification (germline): Uncertain significance (1 of 4 stars; one submission).

Conditions:
Hereditary breast ovarian cancer syndrome. Also called: Hereditary breast and ovarian cancer syndrome; Breast and ovarian cancer; BRCA1- and BRCA2-Associated Hereditary Breast and Ovarian Cancer; Hereditary breast and ovarian cancer syndrome (HBOC); Hereditary breast and ovarian cancer; Hereditary breast and/or ovarian cancer syndrome. Identifiers: Orphanet 145, MedGen C0677776, MeSH D061325, MONDO:0003582. Disease mechanism: loss of function.

Submission:

Labcorp Genetics (formerly Invitae), Labcorp
Classification: Uncertain significance for Hereditary breast ovarian cancer syndrome. Last evaluated: 2022-01-31. Review status: criteria provided, single submitter. Criteria: Invitae Variant Classification Sherloc (09022015). Collection method: clinical testing. Allele origin: germline.
Comment: This sequence change replaces tyrosine, which is neutral and polar, with cysteine, which is neutral and slightly polar, at codon 3009 of the BRCA2 protein (p.Tyr3009Cys). In summary, the available evidence is currently insufficient to determine the role of this variant in disease. Therefore, it has been classified as a Variant of Uncertain Significance. Advanced modeling of protein sequence and biophysical properties (such as structural, functional, and spatial information, amino acid conservation, physicochemical variation, residue mobility, and thermodynamic stability) performed at Invitae indicates that this missense variant is not expected to disrupt BRCA2 protein function. This variant has not been reported in the literature in individuals affected with BRCA2-related conditions. This variant is not present in population databases (gnomAD no frequency).

NM_000059.4(BRCA2):c.9026A>G (p.Tyr3009Cys)

Gene: BRCA2 (BRCA2 DNA repair associated; plus strand). Cytogenetic location: 13q13.1.
Variant type: single nucleotide variant.
Coding change: c.9026A>G on transcript NM_000059.4 (MANE Select); coding-DNA position 9026, A replaced by G.
Protein change: p.Tyr3009Cys; replaces tyrosine 3009 with cysteine.
Molecular consequence: missense variant.
Genome position (GRCh38, 1-based): chr13:32,379,822, A>G. VCF-style: chr13-32379822-A-G. GRCh37 (hg19) VCF-style: chr13-32953959-A-G.
Other names: c.8930A>G, p.Tyr2977Cys (NM_001406719.1); c.8975A>G, p.Tyr2992Cys (NM_001406720.1); c.4094A>G, p.Tyr1365Cys (NM_001406721.1); c.2609A>G, p.Tyr870Cys (NM_001406722.1); short protein forms Y1365C, Y3009C, Y2992C, Y2977C, Y870C.
Identifiers: ClinVar variation 2091272 (VCV002091272.4), dbSNP rs2137622809, ClinGen allele CA387757495.